The following is an entry in ClinVar:

ClinVar aggregate classification (germline): Conflicting classifications of pathogenicity. Review status: criteria provided, conflicting classifications (1 of 4 stars). 5 submissions from 5 submitters: Uncertain significance (4); Likely benign (1). Last evaluated 2025-12-09.

Conditions:
Arrhythmogenic cardiomyopathy with wooly hair and keratoderma. Also called: PALMOPLANTAR KERATODERMA WITH LEFT VENTRICULAR CARDIOMYOPATHY AND WOOLLY HAIR; Carvajal syndrome; Dilated cardiomyopathy with woolly hair and keratoderma; Arrhythmogenic cardiomyopathy with woolly hair and keratoderma. Identifiers: Orphanet 65282, MedGen C1854063, MONDO:0011581, OMIM 605676.
Arrhythmogenic right ventricular dysplasia 8 (ARVD8). Also called: Arrhythmogenic Right Ventricular Dysplasia/Cardiomyopathy 8; ARRHYTHMOGENIC RIGHT VENTRICULAR DYSPLASIA, FAMILIAL, 8; ARRHYTHMOGENIC RIGHT VENTRICULAR CARDIOMYOPATHY 8. Identifiers: MedGen C1843896, MONDO:0011831, OMIM 607450.
Cardiomyopathy (CMYO). Also called: Cardiomyopathies. Identifiers: Orphanet 167848, MedGen C0878544, MONDO:0004994, HP:0001638. Inheritance: Various modes of inheritance.

Allele frequency attached by ClinVar (database versions not stated): TOPMed 0.00001; ExAC 0.00004; ESP Exome Variant Server 0.00008.
gnomAD v4.1: 20 of 1,568,254 alleles (0.0013%); highest among the groups gnomAD compares: Non-Finnish European, 0.0017%; no homozygotes.

Submissions (5):

Labcorp Genetics (formerly Invitae), Labcorp
Classification: Likely benign for Arrhythmogenic cardiomyopathy with wooly hair and keratoderma; Arrhythmogenic right ventricular dysplasia 8. Last evaluated: 2025-12-09. Review status: criteria provided, single submitter. Criteria: Invitae Variant Classification Sherloc (09022015). Collection method: clinical testing. Allele origin: germline.

All of Us Research Program, National Institutes of Health
Classification: Uncertain significance for Arrhythmogenic cardiomyopathy with wooly hair and keratoderma. Last evaluated: 2022-11-28. Review status: criteria provided, single submitter. Criteria: ACMG Guidelines, 2015. Collection method: clinical testing. Allele origin: germline. Inheritance: Autosomal dominant inheritance. Observed: 1 variant allele, 1 heterozygote.
Comment: This study involves interpretation of variants in research participants for the purpose of population health screening. Participant phenotype was not available at the time of variant classification. Additional details can be found in publication PMID: 35346344, PMCID: PMC8962531

Color Diagnostics, LLC DBA Color Health
Classification: Uncertain significance for Cardiomyopathy. Last evaluated: 2022-07-12. Review status: criteria provided, single submitter. Criteria: ACMG Guidelines, 2015. Collection method: clinical testing. Allele origin: germline.
Comment: This missense variant replaces threonine with isoleucine at codon 49 of the DSP protein. Computational prediction suggests that this variant may not impact protein structure and function (internally defined REVEL score threshold <= 0.5, PMID: 27666373). To our knowledge, functional studies have not been reported for this variant. This variant has not been reported in individuals affected with cardiovascular disorders in the literature. This variant has been identified in 3/169636 chromosomes in the general population by the Genome Aggregation Database (gnomAD). The available evidence is insufficient to determine the role of this variant in disease conclusively. Therefore, this variant is classified as a Variant of Uncertain Significance.

Women's Health and Genetics/Laboratory Corporation of America, LabCorp
Classification: Uncertain significance. Last evaluated: 2021-02-08. Review status: criteria provided, single submitter. Criteria: LabCorp Variant Classification Summary - May 2015. Collection method: clinical testing. Allele origin: germline.
Comment: Variant summary: DSP c.146C>T (p.Thr49Ile) results in a non-conservative amino acid change in the encoded protein sequence. Four of five in-silico tools predict a benign effect of the variant on protein function. The variant allele was found at a frequency of 1.8e-05 in 169636 control chromosomes (gnomAD). The available data on variant occurrences in the general population are insufficient to allow any conclusion about variant significance. To our knowledge, no occurrence of c.146C>T in individuals affected with Arrhythmogenic Right Ventricular Dysplasia/Cardiomyopathy and no experimental evidence demonstrating its impact on protein function have been reported. A co-occurrence with a pathogenic variant has been reported (KCNQ1 c.573_577delGCGCT, p.Arg192CysfsX91; Internal testing). A ClinVar submitter (evaluation after 2014) cites the variant as uncertain significance. Based on the evidence outlined above, the variant was classified as uncertain significance.

GeneDx
Classification: Uncertain significance. Last evaluated: 2020-01-07. Review status: criteria provided, single submitter. Criteria: GeneDx Variant Classification Process June 2021. Collection method: clinical testing. Allele origin: germline. Affected: yes.
Comment: Has not been previously published as pathogenic or benign to our knowledge; In silico analysis, which includes protein predictors and evolutionary conservation, supports that this variant does not alter protein structure/function

NM_004415.4(DSP):c.146C>T (p.Thr49Ile)

Genes: DSP (desmoplakin; plus strand), DSP-AS1 (DSP antisense RNA 1; minus strand). Cytogenetic location: 6p24.3.
Variant type: single nucleotide variant.
Coding change: c.146C>T on transcript NM_004415.4 (MANE Select); coding-DNA position 146, C replaced by T.
Protein change: p.Thr49Ile; replaces threonine 49 with isoleucine.
Molecular consequence: missense variant.
Genome position (GRCh38, 1-based): chr6:7,542,061, C>T. VCF-style: chr6-7542061-C-T. GRCh37 (hg19) VCF-style: chr6-7542294-C-T.
Other names: c.146C>T, p.Thr49Ile (NM_001008844.3, NM_001319034.2); short protein forms T49I.
Identifiers: ClinVar variation 920452 (VCV000920452.12), dbSNP rs151153655, ClinGen allele CA028321.